The following is an entry in ClinVar:

ClinVar aggregate classification (germline): Conflicting classifications of pathogenicity. Review status: criteria provided, conflicting classifications (1 of 4 stars). 2 submissions from 2 submitters: Uncertain significance (1); Likely benign (1). Last evaluated 2018-05-09.

Allele frequency attached by ClinVar (database versions not stated): gnomAD exomes 0.00001 and 0.00003; gnomAD 0.00002; ExAC 0.00003; TOPMed 0.00005.

Submissions (2):

GeneDx
Classification: Likely benign. Last evaluated: 2018-05-09. Review status: criteria provided, single submitter. Criteria: GeneDx Variant Classification Process June 2021. Collection method: clinical testing. Allele origin: germline. Affected: yes.

Laboratory for Molecular Medicine, Mass General Brigham Personalized Medicine
Classification: Uncertain significance. Last evaluated: 2012-02-06. Review status: criteria provided, single submitter. Criteria: LMM Criteria. Collection method: clinical testing. Allele origin: germline. Observed: 1 variant allele.
Comment: The Met13395Val variant (TTN) has not been reported in the literature nor previo usly identified by our laboratory. Computational analyses (biochemical amino aci d properties, conservation, AlignGVGD, and SIFT) do not provide strong support f or or against pathogenicity. Additional information is needed to fully assess th e clinical significance of the Met13395Val variant.

NM_001267550.2(TTN):c.47887A>G (p.Met15963Val)

Genes: TTN (titin; minus strand), TTN-AS1 (TTN antisense RNA 1; plus strand). Cytogenetic location: 2q31.2.
Variant type: single nucleotide variant.
Coding change: c.47887A>G on transcript NM_001267550.2 (MANE Select); coding-DNA position 47887, A replaced by G.
Protein change: p.Met15963Val; replaces methionine 15963 with valine.
Molecular consequence: missense variant.
Genome position (GRCh38, 1-based): chr2:178,617,002, T>C on the plus strand (A>G on the coding strand, the complement: TTN is on the minus strand). VCF-style: chr2-178617002-T-C. GRCh37 (hg19) VCF-style: chr2-179481729-T-C.
Other names: p.M14322V:ATG>GTG; c.42964A>G, p.Met14322Val (NM_001256850.1); c.40183A>G, p.Met13395Val (NM_133378.4); c.20692A>G, p.Met6898Val (NM_003319.4); c.21067A>G, p.Met7023Val (NM_133432.3); c.21268A>G, p.Met7090Val (NM_133437.4); short protein forms M15963V, M13395V, M14322V, M7023V, M7090V, M6898V.
Identifiers: ClinVar variation 47017 (VCV000047017.7), dbSNP rs397517590, ClinGen allele CA139772.